The following is an entry in ClinVar:

ClinVar aggregate classification (germline): Conflicting classifications of pathogenicity. Review status: criteria provided, conflicting classifications (1 of 4 stars). 3 submissions from 3 submitters: Uncertain significance (1); Likely benign (2). Last evaluated 2026-01-21.

Conditions:
Hereditary cancer-predisposing syndrome. Also called: Hereditary neoplastic syndrome; Neoplastic Syndromes, Hereditary; Tumor predisposition; Hereditary Cancer Syndrome. Identifiers: Orphanet 140162, MedGen C0027672, MeSH D009386, MONDO:0015356.
Oligodontia-cancer predisposition syndrome. Also called: TOOTH AGENESIS-COLORECTAL CANCER SYNDROME. Identifiers: Orphanet 300576, MedGen C1837750, MONDO:0012075, OMIM 608615. Disease mechanism: loss of function.

Allele frequency attached by ClinVar (database versions not stated): gnomAD exomes below 0.00001.
gnomAD v4.1: 1 of 1,613,518 alleles (0.000062%); highest among the groups gnomAD compares: Non-Finnish European, 0.000085%; no homozygotes.

Submissions (3):

Labcorp Genetics (formerly Invitae), Labcorp
Classification: Likely benign for Oligodontia-cancer predisposition syndrome. Last evaluated: 2026-01-21. Review status: criteria provided, single submitter. Criteria: Invitae Variant Classification Sherloc (09022015). Collection method: clinical testing. Allele origin: germline.

Ambry Genetics
Classification: Likely benign for Hereditary cancer-predisposing syndrome. Last evaluated: 2023-02-10. Review status: criteria provided, single submitter. Criteria: Ambry Variant Classification Scheme 2023. Collection method: clinical testing. Allele origin: germline.

GeneDx
Classification: Uncertain significance. Last evaluated: 2019-08-05. Review status: criteria provided, single submitter. Criteria: GeneDx Variant Classification Process June 2021. Collection method: clinical testing. Allele origin: germline. Affected: yes.
Comment: Not observed in large population cohorts (Lek et al., 2016); Has not been previously published as pathogenic or benign to our knowledge

NM_004655.4(AXIN2):c.258G>A (p.Leu86=)

Gene: AXIN2 (axin 2; minus strand). Cytogenetic location: 17q24.1.
Variant type: single nucleotide variant.
Coding change: c.258G>A on transcript NM_004655.4 (MANE Select); coding-DNA position 258, G replaced by A.
Protein change: p.Leu86=; no amino-acid change (leucine 86 retained).
Molecular consequence: synonymous variant.
Genome position (GRCh38, 1-based): chr17:65,558,363, C>T on the plus strand (G>A on the coding strand, the complement: AXIN2 is on the minus strand). VCF-style: chr17-65558363-C-T. GRCh37 (hg19) VCF-style: chr17-63554481-C-T.
Other names: c.258G>A (LRG_296t1); c.258G>A, p.Leu86= (NM_001363813.1).
Identifiers: ClinVar variation 422761 (VCV000422761.16), dbSNP rs1064795980, ClinGen allele CA16620578.